The following is an entry in ClinVar:

ClinVar aggregate classification (germline): Uncertain significance (1 of 4 stars; one submission).

Conditions:
Benign neonatal seizures. Also called: Convulsions benign familial neonatal dominant form; Autosomal dominant form of benign neonatal seizures; Benign familial neonatal seizures; Benign neonatal familial convulsions; Benign familial neonatal epilepsy. Identifiers: Orphanet 1949, MedGen C0220669, MONDO:0016027.

Submission:

Labcorp Genetics (formerly Invitae), Labcorp
Classification: Uncertain significance for Benign neonatal seizures. Last evaluated: 2019-10-15. Review status: criteria provided, single submitter. Criteria: Invitae Variant Classification Sherloc (09022015). Collection method: clinical testing. Allele origin: germline.
Comment: In summary, the available evidence is currently insufficient to determine the role of this variant in disease. Therefore, it has been classified as a Variant of Uncertain Significance. This sequence change replaces glutamic acid with glutamine at codon 283 of the KCNQ3 protein (p.Glu283Gln). The glutamic acid residue is highly conserved and there is a small physicochemical difference between glutamic acid and glutamine. This variant is not present in population databases (ExAC no frequency). This variant has not been reported in the literature in individuals with KCNQ3-related conditions. Algorithms developed to predict the effect of missense changes on protein structure and function (SIFT, PolyPhen-2, Align-GVGD) all suggest that this variant is likely to be disruptive, but these predictions have not been confirmed by published functional studies and their clinical significance is uncertain.

NM_004519.4(KCNQ3):c.847G>C (p.Glu283Gln)

Gene: KCNQ3 (potassium voltage-gated channel subfamily Q member 3; minus strand). Cytogenetic location: 8q24.22.
Variant type: single nucleotide variant.
Coding change: c.847G>C on transcript NM_004519.4 (MANE Select); coding-DNA position 847, G replaced by C.
Protein change: p.Glu283Gln; replaces glutamic acid 283 with glutamine.
Molecular consequence: missense variant.
Genome position (GRCh38, 1-based): chr8:132,175,539, C>G on the plus strand (G>C on the coding strand, the complement: KCNQ3 is on the minus strand). VCF-style: chr8-132175539-C-G. GRCh37 (hg19) VCF-style: chr8-133187786-C-G.
Other names: c.487G>C, p.Glu163Gln (NM_001204824.2); short protein forms E163Q, E283Q.
Identifiers: ClinVar variation 971003 (VCV000971003.9), dbSNP rs1586801275, ClinGen allele CA372290484.